The following is an entry in ClinVar:

ClinVar aggregate classification (germline): Uncertain significance. Review status: criteria provided, multiple submitters, no conflicts (2 of 4 stars). 2 submissions from 2 submitters: Uncertain significance (2). Last evaluated 2026-08-06.

Conditions:
Holoprosencephaly 9 (HPE9). Also called: PITUITARY ANOMALIES WITH HOLOPROSENCEPHALY-LIKE FEATURES; HOLOPROSENCEPHALY WITH MICROPHTHALMIA AND FIRST BRANCHIAL ARCH ANOMALIES. Identifiers: Orphanet 2162, MedGen C1835819, MONDO:0012563, OMIM 610829.
Postaxial polydactyly-anterior pituitary anomalies-facial dysmorphism syndrome. Also called: Culler-Jones syndrome. Identifiers: Orphanet 420584, MedGen C4014479, MONDO:0014369, OMIM 615849.

Allele frequency attached by ClinVar (database versions not stated): ESP Exome Variant Server 0.00008; TOPMed 0.00005; gnomAD exomes 0.00004; ExAC 0.00005; gnomAD 0.00005.
gnomAD v4.1: 72 of 1,573,852 alleles (0.0046%); highest among the groups gnomAD compares: Admixed American, 0.016%; no homozygotes.

Submissions (2):

OLLIN Analises Genomicas, OLLIN
Classification: Uncertain significance for Holoprosencephaly 9. Last evaluated: 2026-08-06. Review status: criteria provided, single submitter. Criteria: ACMG Guidelines 2015 PMID 25741868. Collection method: clinical testing. Allele origin: germline. Inheritance: Autosomal dominant inheritance.
Comment: This missense variant, located in exon 14 (of 14), has been reported in ClinVar (accession VCV002414404.6) and in gnomAD with an allele frequency of 0.0046%. However, to our knowledge, it has not been reported in the scientific literature. In silico analysis predicts that this variant has a tolerated effect. According to the currently available evidence, this variant has been classified as uncertain significance (PM2_P, BP4_M).

Labcorp Genetics (formerly Invitae), Labcorp
Classification: Uncertain significance for Postaxial polydactyly-anterior pituitary anomalies-facial dysmorphism syndrome; Holoprosencephaly 9. Last evaluated: 2025-09-03. Review status: criteria provided, single submitter. Criteria: Invitae Variant Classification Sherloc (09022015). Collection method: clinical testing. Allele origin: germline.
Comment: This sequence change replaces alanine, which is neutral and non-polar, with valine, which is neutral and non-polar, at codon 780 of the GLI2 protein (p.Ala780Val). This variant is present in population databases (rs374016746, gnomAD 0.01%). This missense change has been observed in individual(s) with clinical features of GLI2-related conditions (PMID: 22967285). ClinVar contains an entry for this variant (Variation ID: 2414404). Invitae Evidence Modeling of protein sequence and biophysical properties (such as structural, functional, and spatial information, amino acid conservation, physicochemical variation, residue mobility, and thermodynamic stability) indicates that this missense variant is not expected to disrupt GLI2 protein function with a negative predictive value of 80%. In summary, the available evidence is currently insufficient to determine the role of this variant in disease. Therefore, it has been classified as a Variant of Uncertain Significance.

Literature cited by the submitters: PubMed 22967285 (cited by Labcorp Genetics (formerly Invitae), Labcorp).

NM_001374353.1(GLI2):c.2288C>T (p.Ala763Val)

Gene: GLI2 (GLI family zinc finger 2; plus strand). Cytogenetic location: 2q14.2.
Variant type: single nucleotide variant.
Coding change: c.2288C>T on transcript NM_001374353.1 (MANE Select); coding-DNA position 2288, C replaced by T.
Protein change: p.Ala763Val; replaces alanine 763 with valine.
Molecular consequence: missense variant.
Genome position (GRCh38, 1-based): chr2:120,988,253, C>T. VCF-style: chr2-120988253-C-T. GRCh37 (hg19) VCF-style: chr2-121745829-C-T.
Other names: c.2339C>T, p.Ala780Val (NM_001371271.1, NM_005270.5); c.1913C>T, p.Ala638Val (NM_001374354.1); short protein forms A638V, A763V, A780V.
Identifiers: ClinVar variation 2414404 (VCV002414404.7), dbSNP rs374016746, ClinGen allele CA1852204.